The following is an entry in ClinVar:

ClinVar aggregate classification (germline): Uncertain significance (1 of 4 stars; one submission).

Conditions:
Inborn genetic diseases. Identifiers: MedGen C0950123, MeSH D030342.

gnomAD v4.1: 1 of 1,613,792 alleles (0.000062%); highest among the groups gnomAD compares: African/African-American, 0.0013%; no homozygotes.

Submission:

Ambry Genetics
Classification: Uncertain significance for Inborn genetic diseases. Last evaluated: 2025-12-10. Review status: criteria provided, single submitter. Criteria: Ambry Variant Classification Scheme 2023. Collection method: clinical testing. Allele origin: germline.
Comment: The p.R1135G variant (also known as c.3403A>G), located in coding exon 24 of the ANKRD26 gene, results from an A to G substitution at nucleotide position 3403. The arginine at codon 1135 is replaced by glycine, an amino acid with dissimilar properties. This amino acid position is conserved. In addition, this alteration is predicted to be tolerated by in silico analysis. Based on the available evidence, the clinical significance of this variant remains unclear.

NM_014915.3(ANKRD26):c.3403A>G (p.Arg1135Gly)

Gene: ANKRD26 (ankyrin repeat domain 26; minus strand). Cytogenetic location: 10p12.1.
Variant type: single nucleotide variant.
Coding change: c.3403A>G on transcript NM_014915.3 (MANE Select); coding-DNA position 3403, A replaced by G.
Protein change: p.Arg1135Gly; replaces arginine 1135 with glycine.
Molecular consequence: missense variant.
Genome position (GRCh38, 1-based): chr10:27,035,047, T>C on the plus strand (A>G on the coding strand, the complement: ANKRD26 is on the minus strand). VCF-style: chr10-27035047-T-C. GRCh37 (hg19) VCF-style: chr10-27323976-T-C.
Other names: c.3400A>G, p.Arg1134Gly (NM_001256053.2); short protein forms R1134G, R1135G.
Identifiers: ClinVar variation 4580476 (VCV004580476.1).